The following is an entry in ClinVar:

ClinVar aggregate classification (germline): Uncertain significance (1 of 4 stars; one submission).

Submission:

Women's Health and Genetics/Laboratory Corporation of America, LabCorp
Classification: Uncertain significance. Last evaluated: 2025-01-27. Review status: criteria provided, single submitter. Criteria: LabCorp Variant Classification Summary - May 2015. Collection method: clinical testing. Allele origin: germline.
Comment: Variant summary: LSM11 c.14A>G (p.Glu5Gly) results in a non-conservative amino acid change in the encoded protein sequence. Two of four in-silico tools predict a benign effect of the variant on protein function. The frequency data for this variant in gnomAD is considered unreliable, as metrics indicate poor data quality at this position. To our knowledge, no occurrence of c.14A>G in individuals affected with Aicardi-Goutieres syndrome 8 and no experimental evidence demonstrating its impact on protein function have been reported. No submitters have cited clinical-significance assessments for this variant to ClinVar. Based on the evidence outlined above, the variant was classified as uncertain significance.

NM_173491.4(LSM11):c.14A>G (p.Glu5Gly)

Genes: LSM11 (LSM11, U7 small nuclear RNA associated; plus strand), LOC129995145 (ATAC-STARR-seq lymphoblastoid silent region 16563; plus strand). Cytogenetic location: 5q33.3.
Variant type: single nucleotide variant.
Coding change: c.14A>G on transcript NM_173491.4 (MANE Select); coding-DNA position 14, A replaced by G.
Protein change: p.Glu5Gly; replaces glutamic acid 5 with glycine.
Molecular consequence: missense variant.
Genome position (GRCh38, 1-based): chr5:157,743,764, A>G. VCF-style: chr5-157743764-A-G. GRCh37 (hg19) VCF-style: chr5-157170772-A-G.
Other names: short protein forms E5G.
Identifiers: ClinVar variation 3769421 (VCV003769421.2).